The following is an entry in ClinVar:

NM_004369.4(COL6A3):c.8890G>T (p.Ala2964Ser)

Gene: COL6A3 (collagen type VI alpha 3 chain; minus strand). Cytogenetic location: 2q37.3.
Variant type: single nucleotide variant.
Coding change: c.8890G>T on transcript NM_004369.4 (MANE Select); coding-DNA position 8890, G replaced by T.
Protein change: p.Ala2964Ser; replaces alanine 2964 with serine.
Molecular consequence: missense variant.
Genome position (GRCh38, 1-based): chr2:237,336,210, C>A on the plus strand (G>T on the coding strand, the complement: COL6A3 is on the minus strand). VCF-style: chr2-237336210-C-A. GRCh37 (hg19) VCF-style: chr2-238244853-C-A.
Other names: c.7069G>T, p.Ala2357Ser (NM_057166.5); c.8272G>T, p.Ala2758Ser (NM_057167.4); short protein forms A2357S, A2758S, A2964S.
Identifiers: ClinVar variation 3343049 (VCV003343049.2).
Genomic context (GRCh38, chr2:237,336,210, plus strand): 5'-TGGCTGGCTTGGTGGCAGCTGGTTTGGCTGCCTGTGGCCTAGGGACCTCAGGCTTGGTCG[C>A]CACTGGTTTTGCAGCAGCAGCAGCGGGGGGTCTTACAGCTGCTGGCTTTGCTGCTACAGG-3'
Protein context (NP_004360.2, residues 2954-2974): PPAAAAAKPV[Ala2964Ser]TKPEVPRPQA

ClinVar aggregate classification (germline): Uncertain significance. Review status: criteria provided, multiple submitters, no conflicts (2 of 4 stars). 2 submissions from 2 submitters: Uncertain significance (2). Last evaluated 2024-08-20.

Conditions:
Inborn genetic diseases. Identifiers: MedGen C0950123, MeSH D030342.

Submissions (2):

Ambry Genetics
Classification: Uncertain significance for Inborn genetic diseases. Last evaluated: 2024-08-20. Review status: criteria provided, single submitter. Criteria: Ambry Variant Classification Scheme 2023. Collection method: clinical testing. Allele origin: germline.

GeneDx
Classification: Uncertain significance. Last evaluated: 2023-04-10. Review status: criteria provided, single submitter. Criteria: GeneDx Variant Classification Process June 2021. Collection method: clinical testing. Allele origin: germline. Affected: yes.
Comment: Not observed at significant frequency in large population cohorts (gnomAD); In silico analysis supports that this missense variant does not alter protein structure/function; Has not been previously published as pathogenic or benign to our knowledge